The following is an entry in ClinVar:

ClinVar aggregate classification (germline): Pathogenic (1 of 4 stars; one submission).

Conditions:
Familial adenomatous polyposis 1 (FAP1). Also called: FAMILIAL ADENOMATOUS POLYPOSIS 1, ATTENUATED; POLYPOSIS, ADENOMATOUS INTESTINAL. Identifiers: MedGen C2713442, MONDO:0021056, OMIM 175100. Disease mechanism: loss of function.

Submission:

Myriad Genetics, Inc.
Classification: Pathogenic for Familial adenomatous polyposis 1. Last evaluated: 2023-05-04. Review status: criteria provided, single submitter. Criteria: Myriad Autosomal Dominant, Autosomal Recessive and X-Linked Classification Criteria (2023). Collection method: clinical testing. Allele origin: unknown.
Comment: This variant is considered pathogenic. This variant creates a frameshift predicted to result in premature protein truncation.

NM_000038.6(APC):c.2538del (p.Glu847fs)

Gene: APC (APC regulator of Wnt signaling pathway; plus strand). Cytogenetic location: 5q22.2.
Variant type: Deletion.
Coding change: c.2538del on transcript NM_000038.6 (MANE Select); coding-DNA position 2538, one base deleted (T; older notation c.2538delT).
Protein change: p.Glu847fs; shifts the reading frame from glutamic acid 847.
Molecular consequence: frameshift variant. On other transcripts: non-coding transcript variant (2).
Genome position (GRCh38, 1-based): chr5:112,838,132, T deleted. VCF-style (leftmost placement, unchanged base first): chr5-112838131-CT-C. GRCh37 (hg19) VCF-style: chr5-112173828-CT-C.
Other names: c.2538del, p.Glu847fs (NM_001127510.3, NM_001354895.2, NM_001407450.1); c.2484del, p.Glu829fs (NM_001127511.3); c.2592del, p.Glu865fs (NM_001354896.2, NM_001407447.1, NM_001407448.1 and 1 more transcripts); c.2568del, p.Glu857fs (NM_001354897.2); c.2463del, p.Glu822fs (NM_001354898.2); c.2454del, p.Glu819fs (NM_001354899.2); c.2415del, p.Glu806fs (NM_001354900.2); c.2361del, p.Glu788fs (NM_001354901.2, NM_001407453.1); and 11 more; short protein forms E463fs, E564fs, E687fs, E718fs, E721fs, E746fs, E756fs, E764fs.
Identifiers: ClinVar variation 2583868 (VCV002583868.2), dbSNP rs2533430795, ClinGen allele CA2582341477.